The following is an entry in ClinVar:

ClinVar aggregate classification (germline): Benign/Likely benign. Review status: criteria provided, multiple submitters, no conflicts (2 of 4 stars). 4 submissions from 4 submitters: Benign (2); Likely benign (2). Last evaluated 2025-10-01.

Conditions:
Hereditary cancer-predisposing syndrome. Also called: Hereditary Cancer Syndrome; Neoplastic Syndromes, Hereditary; Tumor predisposition; Hereditary neoplastic syndrome. Identifiers: Orphanet 140162, MedGen C0027672, MeSH D009386, MONDO:0015356.
Tuberous sclerosis 1 (TSC1). Identifiers: Orphanet 805, MedGen C1854465, MONDO:0008612, OMIM 191100.

Allele frequency attached by ClinVar (database versions not stated): gnomAD exomes below 0.00001.

Submissions (4):

Labcorp Genetics (formerly Invitae), Labcorp
Classification: Likely benign for Tuberous sclerosis 1. Last evaluated: 2025-10-01. Review status: criteria provided, single submitter. Criteria: Invitae Variant Classification Sherloc (09022015). Collection method: clinical testing. Allele origin: germline.

Myriad Genetics, Inc.
Classification: Benign for Tuberous sclerosis 1. Last evaluated: 2025-04-10. Review status: criteria provided, single submitter. Criteria: Myriad Autosomal Dominant, Autosomal Recessive and X-Linked Classification Criteria (2023). Collection method: clinical testing. Allele origin: unknown.
Comment: This variant is considered benign. This variant is a silent/synonymous amino acid change and it is not expected to impact splicing.

Genome-Nilou Lab
Classification: Benign for Tuberous sclerosis 1. Last evaluated: 2021-11-07. Review status: criteria provided, single submitter. Criteria: ACMG Guidelines, 2015. Collection method: clinical testing. Allele origin: germline. Affected: no.

Ambry Genetics
Classification: Likely benign for Hereditary cancer-predisposing syndrome. Last evaluated: 2015-04-22. Review status: criteria provided, single submitter. Criteria: Ambry Variant Classification Scheme 2023. Collection method: clinical testing. Allele origin: germline.

NM_000368.5(TSC1):c.1749C>T (p.Pro583=)

Gene: TSC1 (TSC complex subunit 1; minus strand). Cytogenetic location: 9q34.13.
Variant type: single nucleotide variant.
Coding change: c.1749C>T on transcript NM_000368.5 (MANE Select); coding-DNA position 1749, C replaced by T.
Protein change: p.Pro583=; no amino-acid change (proline 583 retained).
Molecular consequence: synonymous variant.
Genome position (GRCh38, 1-based): chr9:132,905,829, G>A on the plus strand (C>T on the coding strand, the complement: TSC1 is on the minus strand). VCF-style: chr9-132905829-G-A. GRCh37 (hg19) VCF-style: chr9-135781216-G-A.
Other names: c.1746C>T, p.Pro582= (NM_001162426.2); c.1596C>T, p.Pro532= (NM_001162427.2); c.1386C>T, p.Pro462= (NM_001362177.2).
Identifiers: ClinVar variation 231543 (VCV000231543.17), dbSNP rs876659216, ClinGen allele CA10578827.